The following is an entry in ClinVar:

ClinVar aggregate classification (germline): Uncertain significance (1 of 4 stars; one submission).

Conditions:
Anophthalmia/microphthalmia-esophageal atresia syndrome (MCOPS3). Also called: SOX2 Disorder; MICROPHTHALMIA AND ESOPHAGEAL ATRESIA SYNDROME; AEG SYNDROME. Identifiers: Orphanet 77298, MedGen C1859773, MONDO:0008799, OMIM 206900.

Submission:

MVZ Medizinische Genetik Mainz
Classification: Uncertain significance for Anophthalmia/microphthalmia-esophageal atresia syndrome. Last evaluated: 2026-02-18. Review status: criteria provided, single submitter. Criteria: UK Practice Guidelines For Variant Classification V4 01 2020. Collection method: clinical testing. Allele origin: germline. Inheritance: Autosomal dominant inheritance. Affected: yes. Observed: 1 variant allele.
Comment: ACMG Criteria: PVS1_STR,PM2_SUP

NM_003106.4(SOX2):c.659C>A (p.Ser220Ter)

Genes: SOX2-OT (SOX2 overlapping transcript; plus strand), SOX2 (SRY-box transcription factor 2; plus strand). Cytogenetic location: 3q26.33.
Variant type: single nucleotide variant.
Coding change: c.659C>A on transcript NM_003106.4 (MANE Select); coding-DNA position 659, C replaced by A.
Protein change: p.Ser220Ter; replaces serine 220 with a stop codon.
Molecular consequence: nonsense.
Genome position (GRCh38, 1-based): chr3:181,713,019, C>A. VCF-style: chr3-181713019-C-A. GRCh37 (hg19) VCF-style: chr3-181430807-C-A.
Other names: short protein forms S220*.
Identifiers: ClinVar variation 4818864 (VCV004818864.1).
Genomic context (GRCh38, chr3:181,713,019, plus strand): 5'-ACGACGTGAGCGCCCTGCAGTACAACTCCATGACCAGCTCGCAGACCTACATGAACGGCT[C>A]GCCCACCTACAGCATGTCCTACTCGCAGCAGGGCACCCCTGGCATGGCTCTTGGCTCCAT-3'